The following is an entry in ClinVar:

NM_021971.4(GMPPB):c.-94C>T

Gene: GMPPB (GDP-mannose pyrophosphorylase B; minus strand). Cytogenetic location: 3p21.31.
Variant type: single nucleotide variant.
Coding change: c.-94C>T on transcript NM_021971.4 (MANE Select); 94 bases upstream of the start codon, C replaced by T.
Molecular consequence: 5 prime UTR variant.
Genome position (GRCh38, 1-based): chr3:49,723,820, G>A on the plus strand (C>T on the coding strand, the complement: GMPPB is on the minus strand). VCF-style: chr3-49723820-G-A. GRCh37 (hg19) VCF-style: chr3-49761253-G-A.
Other names: c.-94C>T (NM_013334.4).
Identifiers: ClinVar variation 3051285 (VCV003051285.2), dbSNP rs539620720, ClinGen allele CA74542997.

ClinVar aggregate classification (germline): Likely benign (0 of 4 stars; one submission).

Conditions:
GMPPB-related disorder. Also called: GMPPB-related disorders; GMPPB-related condition.

Allele frequency attached by ClinVar (database versions not stated): 1000 Genomes Project 30x 0.00016; 1000 Genomes Project 0.00020; TOPMed 0.00024; gnomAD 0.00026; gnomAD exomes 0.00038.

Submission:

PreventionGenetics, part of Exact Sciences
Classification: Likely benign for GMPPB-related condition. Last evaluated: 2023-09-27. Review status: no assertion criteria provided. Collection method: clinical testing. Allele origin: germline.
Comment: This variant is classified as likely benign based on ACMG/AMP sequence variant interpretation guidelines (Richards et al. 2015 PMID: 25741868, with internal and published modifications).